The following is an entry in ClinVar:

NM_001204.7(BMPR2):c.1001T>C (p.Leu334Ser)

Gene: BMPR2 (bone morphogenetic protein receptor type 2; plus strand). Cytogenetic location: 2q33.2.
Variant type: single nucleotide variant.
Coding change: c.1001T>C on transcript NM_001204.7 (MANE Select); coding-DNA position 1001, T replaced by C.
Protein change: p.Leu334Ser; replaces leucine 334 with serine.
Molecular consequence: missense variant.
Genome position (GRCh38, 1-based): chr2:202,530,827, T>C. VCF-style: chr2-202530827-T-C. GRCh37 (hg19) VCF-style: chr2-203395550-T-C.
Other names: short protein forms L334S.
Identifiers: ClinVar variation 4214441 (VCV004214441.1).

ClinVar aggregate classification (germline): Uncertain significance (1 of 4 stars; one submission).

Conditions:
Inborn genetic diseases. Identifiers: MedGen C0950123, MeSH D030342.

Submission:

Ambry Genetics
Classification: Uncertain significance for Inborn genetic diseases. Last evaluated: 2025-07-13. Review status: criteria provided, single submitter. Criteria: Ambry Variant Classification Scheme 2023. Collection method: clinical testing. Allele origin: germline.
Comment: The p.L334S variant (also known as c.1001T>C), located in coding exon 8 of the BMPR2 gene, results from a T to C substitution at nucleotide position 1001. The leucine at codon 334 is replaced by serine, an amino acid with dissimilar properties. This amino acid position is conserved. In addition, this alteration is predicted to be deleterious by in silico analysis. Based on the available evidence, the clinical significance of this variant remains unclear.